The following is an entry in ClinVar:

ClinVar aggregate classification (germline): Uncertain significance (1 of 4 stars; one submission).

Conditions:
Neuromuscular disease caused by qualitative or quantitative defects of dysferlin. Also called: Dysferlinopathy; Qualitative or quantitative defects of dysferlin. Identifiers: Orphanet 207073, MedGen C2931687, MONDO:0016145.

gnomAD v4.1: 1 of 1,614,080 alleles (0.000062%); highest among the groups gnomAD compares: Non-Finnish European, 0.000085%; no homozygotes.

Submission:

Labcorp Genetics (formerly Invitae), Labcorp
Classification: Uncertain significance for Neuromuscular disease caused by qualitative or quantitative defects of dysferlin. Last evaluated: 2025-04-14. Review status: criteria provided, single submitter. Criteria: Invitae Variant Classification Sherloc (09022015). Collection method: clinical testing. Allele origin: germline.
Comment: This sequence change replaces glutamic acid, which is acidic and polar, with lysine, which is basic and polar, at codon 311 of the DYSF protein (p.Glu311Lys). This variant is not present in population databases (gnomAD no frequency). This variant has not been reported in the literature in individuals affected with DYSF-related conditions. ClinVar contains an entry for this variant (Variation ID: 1953116). Invitae Evidence Modeling of protein sequence and biophysical properties (such as structural, functional, and spatial information, amino acid conservation, physicochemical variation, residue mobility, and thermodynamic stability) indicates that this missense variant is not expected to disrupt DYSF protein function with a negative predictive value of 95%. In summary, the available evidence is currently insufficient to determine the role of this variant in disease. Therefore, it has been classified as a Variant of Uncertain Significance.

NM_001130987.2(DYSF):c.1027G>A (p.Glu343Lys)

Gene: DYSF (dysferlin; plus strand). Cytogenetic location: 2p13.2.
Variant type: single nucleotide variant.
Coding change: c.1027G>A on transcript NM_001130987.2 (MANE Select); coding-DNA position 1027, G replaced by A.
Protein change: p.Glu343Lys; replaces glutamic acid 343 with lysine.
Molecular consequence: missense variant.
Genome position (GRCh38, 1-based): chr2:71,520,202, G>A. VCF-style: chr2-71520202-G-A. GRCh37 (hg19) VCF-style: chr2-71747332-G-A.
Other names: c.934G>A, p.Glu312Lys (NM_001130455.2, NM_001130983.2, NM_001130984.2 and 1 more transcripts); c.931G>A, p.Glu311Lys (NM_001130976.2, NM_001130977.2, NM_001130978.2 and 1 more transcripts); c.1024G>A, p.Glu342Lys (NM_001130979.2, NM_001130980.2, NM_001130981.2); c.1027G>A, p.Glu343Lys (NM_001130982.2, NM_001130985.2); short protein forms E311K, E312K, E342K, E343K.
Identifiers: ClinVar variation 1953116 (VCV001953116.3), dbSNP rs1401731698, ClinGen allele CA347211642.